The following is an entry in ClinVar:

NM_001394998.1(TANC2):c.2424C>T (p.Gly808=)

Gene: TANC2 (tetratricopeptide repeat, ankyrin repeat and coiled-coil containing 2; plus strand). Cytogenetic location: 17q23.3.
Variant type: single nucleotide variant.
Coding change: c.2424C>T on transcript NM_001394998.1 (MANE Select); coding-DNA position 2424, C replaced by T.
Protein change: p.Gly808=; no amino-acid change (glycine 808 retained).
Molecular consequence: synonymous variant.
Genome position (GRCh38, 1-based): chr17:63,355,232, C>T. VCF-style: chr17-63355232-C-T. GRCh37 (hg19) VCF-style: chr17-61432593-C-T.
Other names: c.2202C>T, p.Gly734= (NM_001411076.1, NM_025185.4).
Identifiers: ClinVar variation 3026311 (VCV003026311.22), dbSNP rs572348167, ClinGen allele CA8697772.

ClinVar aggregate classification (germline): Likely benign (1 of 4 stars; one submission).

Allele frequency attached by ClinVar (database versions not stated): TOPMed below 0.00001; gnomAD 0.00007; gnomAD exomes 0.00008; ExAC 0.00016; 1000 Genomes Project 30x 0.00047; 1000 Genomes Project 0.00060.
gnomAD v4.1: 125 of 1,613,706 alleles (0.0077%); highest among the groups gnomAD compares: South Asian, 0.13%; no homozygotes.

Submission:

CeGaT Center for Human Genetics Tuebingen
Classification: Likely benign. Last evaluated: 2023-12-01. Review status: criteria provided, single submitter. Criteria: CeGaT Center For Human Genetics Tuebingen Variant Classification Criteria Version 2. Collection method: clinical testing. Allele origin: germline. Affected: yes. Observed: 1 variant allele.
Comment: TANC2: BP4, BP7, BS1